The following is an entry in ClinVar:

ClinVar aggregate classification (germline): Uncertain significance. Review status: criteria provided, multiple submitters, no conflicts (2 of 4 stars). 7 submissions from 7 submitters: Uncertain significance (7). Last evaluated 2025-09-14.

Conditions:
Cardiovascular phenotype. Identifiers: MedGen CN230736.
Arrhythmogenic right ventricular dysplasia 2. Identifiers: MedGen C1832931.
Ventricular arrhythmias due to cardiac ryanodine receptor calcium release deficiency syndrome. Also called: Autosomal dominant cardiac arrhythmia (Kuhn). Identifiers: MedGen C5542154, MONDO:0020745, OMIM 115000.
Catecholaminergic polymorphic ventricular tachycardia 1. Also called: VENTRICULAR TACHYCARDIA, CATECHOLAMINERGIC POLYMORPHIC, 1, WITH OR WITHOUT ATRIAL DYSFUNCTION AND/OR DILATED CARDIOMYOPATHY; RYR2-Related Catecholaminergic Polymorphic Ventricular Tachycardia; VENTRICULAR TACHYCARDIA, STRESS-INDUCED POLYMORPHIC 1. Identifiers: Orphanet 3286, MedGen C1631597, MONDO:0011484, OMIM 604772.
Cardiomyopathy (CMYO). Also called: Cardiomyopathies. Identifiers: Orphanet 167848, MedGen C0878544, MONDO:0004994, HP:0001638. Inheritance: Various modes of inheritance.

Allele frequency attached by ClinVar (database versions not stated): ExAC 0.00002; gnomAD exomes 0.00002; gnomAD 0.00006; TOPMed 0.00008.
gnomAD v4.1: 42 of 1,606,844 alleles (0.0026%); highest among the groups gnomAD compares: Middle Eastern, 0.017%; no homozygotes.

Submissions (7):

Labcorp Genetics (formerly Invitae), Labcorp
Classification: Uncertain significance for Catecholaminergic polymorphic ventricular tachycardia 1. Last evaluated: 2025-09-14. Review status: criteria provided, single submitter. Criteria: Invitae Variant Classification Sherloc (09022015). Collection method: clinical testing. Allele origin: germline.
Comment: This sequence change falls in intron 34 of the RYR2 gene. It does not directly change the encoded amino acid sequence of the RYR2 protein. It affects a nucleotide within the consensus splice site. The frequency data for this variant in the population databases is considered unreliable, as metrics indicate poor data quality at this position in the gnomAD database. This variant has not been reported in the literature in individuals affected with RYR2-related conditions. ClinVar contains an entry for this variant (Variation ID: 43785). Variants that disrupt the consensus splice site are a relatively common cause of aberrant splicing (PMID: 17576681, 9536098). Algorithms developed to predict the effect of sequence changes on RNA splicing suggest that this variant is not likely to affect RNA splicing. In summary, the available evidence is currently insufficient to determine the role of this variant in disease. Therefore, it has been classified as a Variant of Uncertain Significance.

Mayo Clinic Laboratories, Mayo Clinic
Classification: Uncertain significance. Last evaluated: 2024-06-21. Review status: criteria provided, single submitter. Criteria: ACMG Guidelines, 2015. Collection method: clinical testing. Allele origin: germline. Observed: 2 variant alleles.
Comment: BP4, BP7

Color Diagnostics, LLC DBA Color Health
Classification: Uncertain significance for Cardiomyopathy. Last evaluated: 2024-05-16. Review status: criteria provided, single submitter. Criteria: ACMG Guidelines, 2015. Collection method: clinical testing. Allele origin: germline.
Comment: This variant causes a C to T nucleotide substitution at the +4 position of intron 34 of the RYR2 gene. To our knowledge, functional studies have not been reported for this variant. This variant has not been reported in individuals affected with RYR2-related disorders in the literature. This variant has not been identified in the general population by the Genome Aggregation Database (gnomAD). The available evidence is insufficient to determine the role of this variant in disease conclusively. Therefore, this variant is classified as a Variant of Uncertain Significance.

Ambry Genetics
Classification: Uncertain significance for Cardiovascular phenotype. Last evaluated: 2021-12-17. Review status: criteria provided, single submitter. Criteria: Ambry Variant Classification Scheme 2023. Collection method: clinical testing. Allele origin: germline.
Comment: The c.4596+4C>T intronic alteration consists of a C to T substitution nucleotides after coding exon 34 in the RYR2 gene. Based on insufficient or conflicting evidence, the clinical significance of this alteration remains unclear.

Women's Health and Genetics/Laboratory Corporation of America, LabCorp
Classification: Uncertain significance. Last evaluated: 2021-10-30. Review status: criteria provided, single submitter. Criteria: LabCorp Variant Classification Summary - May 2015. Collection method: clinical testing. Allele origin: germline.

Fulgent Genetics
Classification: Uncertain significance for Ventricular arrhythmias due to cardiac ryanodine receptor calcium release deficiency syndrome; Catecholaminergic polymorphic ventricular tachycardia 1. Last evaluated: 2021-09-20. Review status: criteria provided, single submitter. Criteria: ACMG Guidelines, 2015. Collection method: clinical testing. Allele origin: unknown.

Laboratory for Molecular Medicine, Mass General Brigham Personalized Medicine
Classification: Uncertain significance. Last evaluated: 2013-02-05. Review status: criteria provided, single submitter. Criteria: LMM Criteria. Collection method: clinical testing. Allele origin: germline. Observed: 2 variant alleles.
Comment: It has also been identified in 5/271950 chromosomes by gnomAD (.org). This variant is located in the 5' splice region. Computational tools do n ot predict a splicing impact, though this information is not predictive enough t o rule out pathogenicity. In summary, the clinical significance of this variant is uncertain. ACMG/AMP Criteria applied: PM2, BP4.

Literature cited by the submitters: PubMed 17576681 (cited by Labcorp Genetics (formerly Invitae), Labcorp); PubMed 9536098 (cited by Labcorp Genetics (formerly Invitae), Labcorp).

NM_001035.3(RYR2):c.4596+4C>T

Gene: RYR2 (ryanodine receptor 2; plus strand). Cytogenetic location: 1q43.
Variant type: single nucleotide variant.
Coding change: c.4596+4C>T on transcript NM_001035.3 (MANE Select); 4 bases into the intron after coding-DNA position 4596, C replaced by T.
Molecular consequence: intron variant.
Genome position (GRCh38, 1-based): chr1:237,595,661, C>T. VCF-style: chr1-237595661-C-T. GRCh37 (hg19) VCF-style: chr1-237758961-C-T.
Other names: p.?.
Identifiers: ClinVar variation 43785 (VCV000043785.20), dbSNP rs397516532, ClinGen allele CA009577.